The following is an entry in ClinVar:

ClinVar aggregate classification (germline): Likely benign. Review status: criteria provided, multiple submitters, no conflicts (2 of 4 stars). 3 submissions from 3 submitters: Likely benign (2). 1 of the submissions does not count toward it. Last evaluated 2026-01-14.

Conditions:
Cardiovascular phenotype. Identifiers: MedGen CN230736.
TXNRD2-related disorder. Also called: TXNRD2-related condition.
Primary dilated cardiomyopathy (DCM). Also called: Dilated Cardiomyopathy. Identifiers: Orphanet 217604, MedGen C0007193, MeSH D002311, MONDO:0005021, HP:0001644. Inheritance: Various modes of inheritance.

Allele frequency attached by ClinVar (database versions not stated): ExAC 0.00003; gnomAD 0.00003; TOPMed 0.00003; gnomAD exomes 0.00008.
gnomAD v4.1: 119 of 1,611,628 alleles (0.0074%); highest among the groups gnomAD compares: South Asian, 0.019%; no homozygotes.

Submissions (3):

Labcorp Genetics (formerly Invitae), Labcorp
Classification: Likely benign for Primary dilated cardiomyopathy. Last evaluated: 2026-01-14. Review status: criteria provided, single submitter. Criteria: Invitae Variant Classification Sherloc (09022015). Collection method: clinical testing. Allele origin: germline.

Ambry Genetics
Classification: Likely benign for Cardiovascular phenotype. Last evaluated: 2022-07-23. Review status: criteria provided, single submitter. Criteria: Ambry Variant Classification Scheme 2023. Collection method: clinical testing. Allele origin: germline.

PreventionGenetics, part of Exact Sciences
Classification: Likely benign for TXNRD2-related condition. Last evaluated: 2019-04-08. Review status: no assertion criteria provided. Collection method: clinical testing. Allele origin: germline. Not counted in ClinVar's aggregate classification.
Comment: This variant is classified as likely benign based on ACMG/AMP sequence variant interpretation guidelines (Richards et al. 2015 PMID: 25741868, with internal and published modifications).

NM_006440.5(TXNRD2):c.258C>T (p.Cys86=)

Gene: TXNRD2 (thioredoxin reductase 2; minus strand). Cytogenetic location: 22q11.21.
Variant type: single nucleotide variant.
Coding change: c.258C>T on transcript NM_006440.5 (MANE Select); coding-DNA position 258, C replaced by T.
Protein change: p.Cys86=; no amino-acid change (cysteine 86 retained).
Molecular consequence: synonymous variant. On other transcripts: 5 prime UTR variant (1), non-coding transcript variant (1).
Genome position (GRCh38, 1-based): chr22:19,918,976, G>A on the plus strand (C>T on the coding strand, the complement: TXNRD2 is on the minus strand). VCF-style: chr22-19918976-G-A. GRCh37 (hg19) VCF-style: chr22-19906499-G-A.
Other names: c.258C>T, p.Cys86= (NM_001282512.3); c.255C>T, p.Cys85= (NM_001352300.2); c.168C>T, p.Cys56= (NM_001352301.2); c.-31C>T (NM_001352302.2); c.162C>T, p.Cys54= (NM_001352303.2); c.258C>T (NM_006440.4).
Identifiers: ClinVar variation 1793488 (VCV001793488.9), dbSNP rs746744099, ClinGen allele CA10104275.
Genomic context (GRCh38, chr22:19,918,976, plus strand): 5'-CAGGCCTCCCAGCAGTGCCGCCTGGTGCATCAGCTTCTTGGGGATGCAGCCCACGTTGAC[G>A]CAGGTGCCGCCGAGGCCCCACCGGGTGCCTGGGACGTGGGAAGAGCACATTTGAATTTAT-3'
Protein context (NP_006431.2, residues 76-96): QGTRWGLGGT[Cys86=]VNVGCIPKKL